The following is an entry in ClinVar:

ClinVar aggregate classification (germline): Uncertain significance (1 of 4 stars; one submission).

Conditions:
Wilms tumor 1 (WT1). Also called: Wilms tumor, somatic. Identifiers: Orphanet 654, MedGen CN033288, MONDO:0008679, OMIM 194070.
11p partial monosomy syndrome (WAGR). Also called: CHROMOSOME 11p13 DELETION SYNDROME; WAGR Spectrum Disorder; WAGR syndrome; WAGR Complex. Identifiers: Orphanet 893, MedGen C0206115, MONDO:0008681, OMIM 194072.
Drash syndrome (DDS). Also called: NEPHROPATHY, WILMS TUMOR, AND GENITAL ANOMALIES; WILMS TUMOR AND PSEUDO- OR TRUE HERMAPHRODITISM. Identifiers: Orphanet 220, MedGen C0950121, MONDO:0008682, OMIM 194080.
Frasier syndrome. Identifiers: Orphanet 347, MedGen C0950122, MeSH D052159, MONDO:0007635, OMIM 136680.

Submission:

Labcorp Genetics (formerly Invitae), Labcorp
Classification: Uncertain significance for Wilms tumor 1; Drash syndrome; 11p partial monosomy syndrome; Frasier syndrome. Last evaluated: 2025-05-05. Review status: criteria provided, single submitter. Criteria: Invitae Variant Classification Sherloc (09022015). Collection method: clinical testing. Allele origin: germline.
Comment: This sequence change replaces threonine, which is neutral and polar, with serine, which is neutral and polar, at codon 377 of the WT1 protein (p.Thr377Ser). This variant is not present in population databases (gnomAD no frequency). This variant has not been reported in the literature in individuals affected with WT1-related conditions. Invitae Evidence Modeling of protein sequence and biophysical properties (such as structural, functional, and spatial information, amino acid conservation, physicochemical variation, residue mobility, and thermodynamic stability) indicates that this missense variant is not expected to disrupt WT1 protein function with a negative predictive value of 95%. In summary, the available evidence is currently insufficient to determine the role of this variant in disease. Therefore, it has been classified as a Variant of Uncertain Significance.

NM_024426.6(WT1):c.1145C>G (p.Thr382Ser)

Gene: WT1 (WT1 transcription factor; minus strand). Cytogenetic location: 11p13.
Variant type: single nucleotide variant.
Coding change: c.1145C>G on transcript NM_024426.6 (MANE Select); coding-DNA position 1145, C replaced by G.
Protein change: p.Thr382Ser; replaces threonine 382 with serine.
Molecular consequence: missense variant. On other transcripts: 5 prime UTR variant (1), non-coding transcript variant (2).
Genome position (GRCh38, 1-based): chr11:32,396,376, G>C on the plus strand (C>G on the coding strand, the complement: WT1 is on the minus strand). VCF-style: chr11-32396376-G-C. GRCh37 (hg19) VCF-style: chr11-32417922-G-C.
Other names: c.1094C>G, p.Thr365Ser (NM_000378.6, NM_001407045.1, NM_001407048.1 and 1 more transcripts); c.494C>G, p.Thr165Ser (NM_001198551.2); c.443C>G, p.Thr148Ser (NM_001198552.2); c.-44C>G (NM_001367854.1); c.1139C>G, p.Thr380Ser (NM_001407044.1); c.1145C>G, p.Thr382Ser (NM_001407046.1, NM_024424.5); c.1022C>G, p.Thr341Ser (NM_001407047.1); c.971C>G, p.Thr324Ser (NM_001407050.1); and 3 more; short protein forms T148S, T165S, T377S, T128S, T324S, T365S, T380S, T292S.
Identifiers: ClinVar variation 4783462 (VCV004783462.1).